The following is an entry in ClinVar:

NM_006939.4(SOS2):c.1068+106T>C

Gene: SOS2 (SOS Ras/Rho guanine nucleotide exchange factor 2; minus strand). Cytogenetic location: 14q21.3.
Variant type: single nucleotide variant.
Coding change: c.1068+106T>C on transcript NM_006939.4 (MANE Select); 106 bases into the intron after coding-DNA position 1068, T replaced by C.
Molecular consequence: intron variant.
Genome position (GRCh38, 1-based): chr14:50,174,348, A>G on the plus strand (T>C on the coding strand, the complement: SOS2 is on the minus strand). VCF-style: chr14-50174348-A-G. GRCh37 (hg19) VCF-style: chr14-50641066-A-G.
Identifiers: ClinVar variation 561657 (VCV000561657.2), dbSNP rs536957409, ClinGen allele CA260746911.

ClinVar aggregate classification (germline): Benign. Review status: criteria provided, multiple submitters, no conflicts (2 of 4 stars). 2 submissions from 2 submitters: Benign (2). Last evaluated 2018-06-14.

Allele frequency attached by ClinVar (database versions not stated): 1000 Genomes Project 30x 0.01031; 1000 Genomes Project 0.01158; TOPMed 0.01329; gnomAD 0.02068 and 0.02129.
gnomAD v4.1: 10,821 of 457,420 alleles (2.4%); highest among the groups gnomAD compares: Non-Finnish European, 2.4%; 255 homozygotes.

Submissions (2):

GeneDx
Classification: Benign. Last evaluated: 2018-06-14. Review status: criteria provided, single submitter. Criteria: GeneDx Variant Classification (06012015). Collection method: clinical testing. Allele origin: germline. Affected: yes.
Comment: This variant is considered likely benign or benign based on one or more of the following criteria: it is a conservative change, it occurs at a poorly conserved position in the protein, it is predicted to be benign by multiple in silico algorithms, and/or has population frequency not consistent with disease.

Breakthrough Genomics
Classification: Benign. Review status: criteria provided, single submitter. Criteria: ACMG Guidelines, 2015. Collection method: not provided. Allele origin: germline. Inheritance: Autosomal dominant inheritance. Affected: yes.